The following is an entry in ClinVar:

NM_015569.5(DNM3):c.1546-4G>A

Gene: DNM3 (dynamin 3; plus strand). Cytogenetic location: 1q24.3.
Variant type: single nucleotide variant.
Coding change: c.1546-4G>A on transcript NM_015569.5 (MANE Select); 4 bases into the intron before coding-DNA position 1546, G replaced by A.
Molecular consequence: intron variant.
Genome position (GRCh38, 1-based): chr1:172,131,171, G>A. VCF-style: chr1-172131171-G-A. GRCh37 (hg19) VCF-style: chr1-172100311-G-A.
Other names: c.1576-4G>A (NM_001350206.2, NM_001350204.2, NM_001350205.2); c.1546-4G>A (NM_001136127.3, NM_001278252.2).
Identifiers: ClinVar variation 2639560 (VCV002639560.24), dbSNP rs372889478, ClinGen allele CA1245496.
Genomic context (GRCh38, chr1:172,131,171, plus strand): 5'-GACATCTAATCTCCAGTGGCTTTTGTTAAACTAAACACCTCTGCTGATTTCTGCTTTTTC[G>A]TAGGTGATTCGCAAGGGGTGGCTCACCATCAGCAACATTGGCATCATGAAAGGCGGCTCG-3'

ClinVar aggregate classification (germline): Likely benign (1 of 4 stars; one submission).

Allele frequency attached by ClinVar (database versions not stated): gnomAD 0.00004; ExAC 0.00005; TOPMed 0.00006; ESP Exome Variant Server 0.00016.
gnomAD v4.1: 53 of 1,612,652 alleles (0.0033%); highest among the groups gnomAD compares: African/African-American, 0.015%; no homozygotes.

Submission:

CeGaT Center for Human Genetics Tuebingen
Classification: Likely benign. Last evaluated: 2023-04-01. Review status: criteria provided, single submitter. Criteria: CeGaT Center For Human Genetics Tuebingen Variant Classification Criteria Version 2. Collection method: clinical testing. Allele origin: germline. Affected: yes. Observed: 1 variant allele.
Comment: DNM3: BP4